The following is an entry in ClinVar:

NM_000093.5(COL5A1):c.4122+4A>G

Gene: COL5A1 (collagen type V alpha 1 chain; plus strand). Cytogenetic location: 9q34.3.
Variant type: single nucleotide variant.
Coding change: c.4122+4A>G on transcript NM_000093.5 (MANE Select); 4 bases into the intron after coding-DNA position 4122, A replaced by G.
Molecular consequence: intron variant.
Genome position (GRCh38, 1-based): chr9:134,815,992, A>G. VCF-style: chr9-134815992-A-G. GRCh37 (hg19) VCF-style: chr9-137707838-A-G.
Other names: c.4122+4A>G (NM_001278074.1).
Identifiers: ClinVar variation 2077414 (VCV002077414.4), dbSNP rs1838730428, ClinGen allele CA1883365987.
Genomic context (GRCh38, chr9:134,815,992, plus strand): 5'-TAGGGTCAAGATGGTCCCCCTGGTGACAAAGGAGATGATGGTGAACCCGGGCAGACGGTG[A>G]GTCCACAATCTGGGCTGGCTTCCTGGTGGAGGTGTCAGTGTATTCTTGGGACCTTGCAGC-3'

ClinVar aggregate classification (germline): Uncertain significance (1 of 4 stars; one submission).

Conditions:
Ehlers-Danlos syndrome, classic type, 1 (EDSCL1). Also called: EHLERS-DANLOS SYNDROME, GRAVIS TYPE; EHLERS-DANLOS SYNDROME, SEVERE CLASSIC TYPE; Ehlers-Danlos syndrome, type 1; EDS I; Ehlers-Danlos Syndrome, Classic Type, COL5A1-Related. Identifiers: MedGen C0268335, MONDO:0019567, OMIM 130000.

Allele frequency attached by ClinVar (database versions not stated): gnomAD exomes below 0.00001.
gnomAD v4.1: 1 of 1,614,062 alleles (0.000062%); highest among the groups gnomAD compares: Admixed American, 0.0017%; no homozygotes.

Submission:

Labcorp Genetics (formerly Invitae), Labcorp
Classification: Uncertain significance for Ehlers-Danlos syndrome, classic type, 1. Last evaluated: 2023-12-09. Review status: criteria provided, single submitter. Criteria: Invitae Variant Classification Sherloc (09022015). Collection method: clinical testing. Allele origin: germline.
Comment: This sequence change falls in intron 52 of the COL5A1 gene. It does not directly change the encoded amino acid sequence of the COL5A1 protein. It affects a nucleotide within the consensus splice site. This variant is not present in population databases (gnomAD no frequency). This variant has not been reported in the literature in individuals affected with COL5A1-related conditions. ClinVar contains an entry for this variant (Variation ID: 2077414). Variants that disrupt the consensus splice site are a relatively common cause of aberrant splicing (PMID: 17576681, 9536098). Algorithms developed to predict the effect of sequence changes on RNA splicing suggest that this variant may disrupt the consensus splice site. In summary, the available evidence is currently insufficient to determine the role of this variant in disease. Therefore, it has been classified as a Variant of Uncertain Significance.

Literature cited by the submitters: PubMed 17576681; PubMed 9536098.